The following is an entry in ClinVar:

ClinVar aggregate classification (germline): Uncertain significance (1 of 4 stars; one submission).

Conditions:
Cardiovascular phenotype. Identifiers: MedGen CN230736.

Allele frequency attached by ClinVar (database versions not stated): TOPMed below 0.00001.
gnomAD v4.1: 1 of 1,612,416 alleles (0.000062%); highest among the groups gnomAD compares: Non-Finnish European, 0.000085%; no homozygotes.

Submission:

Ambry Genetics
Classification: Uncertain significance for Cardiovascular phenotype. Last evaluated: 2022-11-02. Review status: criteria provided, single submitter. Criteria: Ambry Variant Classification Scheme 2023. Collection method: clinical testing. Allele origin: germline.
Comment: The p.A59S variant (also known as c.175G>T), located in coding exon 2 of the APOC3 gene, results from a G to T substitution at nucleotide position 175. The alanine at codon 59 is replaced by serine, an amino acid with similar properties. This amino acid position is conserved. In addition, the in silico prediction for this alteration is inconclusive. Since supporting evidence is limited at this time, the clinical significance of this alteration remains unclear.

NM_000040.3(APOC3):c.175G>T (p.Ala59Ser)

Gene: APOC3 (apolipoprotein C3; plus strand). Cytogenetic location: 11q23.3.
Variant type: single nucleotide variant.
Coding change: c.175G>T on transcript NM_000040.3 (MANE Select); coding-DNA position 175, G replaced by T.
Protein change: p.Ala59Ser; replaces alanine 59 with serine.
Molecular consequence: missense variant.
Genome position (GRCh38, 1-based): chr11:116,830,892, G>T. VCF-style: chr11-116830892-G-T. GRCh37 (hg19) VCF-style: chr11-116701608-G-T.
Other names: short protein forms A59S.
Identifiers: ClinVar variation 2450866 (VCV002450866.2), dbSNP rs1941439349, ClinGen allele CA382710168.